The following is an entry in ClinVar:

ClinVar aggregate classification (germline): Uncertain significance. Review status: criteria provided, multiple submitters, no conflicts (2 of 4 stars). 2 submissions from 2 submitters: Uncertain significance (2). Last evaluated 2020-08-26.

Conditions:
Joubert syndrome 30. Identifiers: MedGen C4539937, MONDO:0033308, OMIM 617622.

Allele frequency attached by ClinVar (database versions not stated): ExAC 0.00001; gnomAD exomes 0.00001 and 0.00003; TOPMed 0.00002.

Submissions (2):

Labcorp Genetics (formerly Invitae), Labcorp
Classification: Uncertain significance. Last evaluated: 2020-08-26. Review status: criteria provided, single submitter. Criteria: Invitae Variant Classification Sherloc (09022015). Collection method: clinical testing. Allele origin: germline.
Comment: This sequence change replaces arginine with cysteine at codon 405 of the ARMC9 protein (p.Arg405Cys). The arginine residue is highly conserved and there is a large physicochemical difference between arginine and cysteine. This variant is present in population databases (rs755476651, ExAC 0.002%). This variant has not been reported in the literature in individuals with ARMC9-related conditions. Experimental studies and prediction algorithms are not available or were not evaluated, and the functional significance of this variant is currently unknown. In summary, the available evidence is currently insufficient to determine the role of this variant in disease. Therefore, it has been classified as a Variant of Uncertain Significance.

Baylor Genetics
Classification: Uncertain significance for Joubert syndrome 30. Last evaluated: 2019-03-26. Review status: criteria provided, single submitter. Criteria: ACMG Guidelines, 2015. Collection method: clinical testing. Allele origin: unknown. Affected: yes.
Comment: This variant was determined to be of uncertain significance according to ACMG Guidelines, 2015 [PMID:25741868].

NM_001352754.2(ARMC9):c.1213C>T (p.Arg405Cys)

Gene: ARMC9 (armadillo repeat containing 9; plus strand). Cytogenetic location: 2q37.1.
Variant type: single nucleotide variant.
Coding change: c.1213C>T on transcript NM_001352754.2 (MANE Select); coding-DNA position 1213, C replaced by T.
Protein change: p.Arg405Cys; replaces arginine 405 with cysteine.
Molecular consequence: missense variant. On other transcripts: non-coding transcript variant (1).
Genome position (GRCh38, 1-based): chr2:231,272,957, C>T. VCF-style: chr2-231272957-C-T. GRCh37 (hg19) VCF-style: chr2-232137670-C-T.
Other names: c.1213C>T, p.Arg405Cys (NM_001271466.4, NM_001291656.2, NM_001352755.2 and 3 more transcripts); c.1114C>T, p.Arg372Cys (NM_001352757.2, NM_001352758.2); short protein forms R372C, R405C.
Identifiers: ClinVar variation 1030903 (VCV001030903.4), dbSNP rs755476651, ClinGen allele CA2160254.